The following is an entry in ClinVar:

NM_006254.4(PRKCD):c.915C>T (p.Ala305=)

Gene: PRKCD (protein kinase C delta; plus strand). Cytogenetic location: 3p21.1.
Variant type: single nucleotide variant.
Coding change: c.915C>T on transcript NM_006254.4 (MANE Select); coding-DNA position 915, C replaced by T.
Protein change: p.Ala305=; no amino-acid change (alanine 305 retained).
Molecular consequence: synonymous variant.
Genome position (GRCh38, 1-based): chr3:53,185,630, C>T. VCF-style: chr3-53185630-C-T. GRCh37 (hg19) VCF-style: chr3-53219646-C-T.
Other names: c.915C>T, p.Ala305= (NM_001316327.2, NM_001354679.2, NM_001354680.2 and 1 more transcripts); c.972C>T, p.Ala324= (NM_001354676.2); c.963C>T, p.Ala321= (NM_001354678.2).
Identifiers: ClinVar variation 755612 (VCV000755612.11), dbSNP rs201862364, ClinGen allele CA2452018.

ClinVar aggregate classification (germline): Likely benign. Review status: criteria provided, single submitter (1 of 4 stars). 2 submissions from 2 submitters: Likely benign (1). 1 of the submissions does not count toward it. Last evaluated 2026-01-26.

Conditions:
PRKCD-related disorder. Also called: PRKCD-related condition.
Autoimmune lymphoproliferative syndrome, type III caused by mutation in PRKCD. Identifiers: Orphanet 3261, Orphanet 664711, MedGen C3809928, MONDO:8000024, OMIM 615559.

Allele frequency attached by ClinVar (database versions not stated): ExAC 0.00002; gnomAD 0.00003; TOPMed 0.00007; 1000 Genomes Project 0.00060; 1000 Genomes Project 30x 0.00062.
gnomAD v4.1: 58 of 1,613,530 alleles (0.0036%); highest among the groups gnomAD compares: Admixed American, 0.095%; no homozygotes.

Submissions (2):

Labcorp Genetics (formerly Invitae), Labcorp
Classification: Likely benign for Autoimmune lymphoproliferative syndrome, type III caused by mutation in PRKCD. Last evaluated: 2026-01-26. Review status: criteria provided, single submitter. Criteria: Invitae Variant Classification Sherloc (09022015). Collection method: clinical testing. Allele origin: germline.

PreventionGenetics, part of Exact Sciences
Classification: Likely benign for PRKCD-related condition. Last evaluated: 2019-08-27. Review status: no assertion criteria provided. Collection method: clinical testing. Allele origin: germline. Not counted in ClinVar's aggregate classification.
Comment: This variant is classified as likely benign based on ACMG/AMP sequence variant interpretation guidelines (Richards et al. 2015 PMID: 25741868, with internal and published modifications).